The following is an entry in ClinVar:

ClinVar aggregate classification (germline): Conflicting classifications of pathogenicity. Review status: criteria provided, conflicting classifications (1 of 4 stars). 3 submissions from 3 submitters: Uncertain significance (1); Likely benign (2). Last evaluated 2026-08-01.

Conditions:
Microcytic anemia with liver iron overload. Also called: Anemia, hypochromic microcytic, with iron overload 1. Identifiers: Orphanet 83642, MedGen C3806153, MONDO:0008787, OMIM 206100.

Allele frequency attached by ClinVar (database versions not stated): ESP Exome Variant Server 0.00008; ExAC 0.00011; gnomAD 0.00011 and 0.00013; gnomAD exomes 0.00014; TOPMed 0.00015.

Submissions (3):

CeGaT Center for Human Genetics Tuebingen
Classification: Likely benign. Last evaluated: 2026-08-01. Review status: criteria provided, single submitter. Criteria: CeGaT Center For Human Genetics Tuebingen Variant Classification Criteria Version 2. Collection method: clinical testing. Allele origin: germline. Affected: yes. Observed: 1 variant allele.
Comment: SLC11A2: BP4, BP7

Labcorp Genetics (formerly Invitae), Labcorp
Classification: Likely benign. Last evaluated: 2025-02-11. Review status: criteria provided, single submitter. Criteria: Invitae Variant Classification Sherloc (09022015). Collection method: clinical testing. Allele origin: germline.

Illumina Laboratory Services, Illumina
Classification: Uncertain significance for Microcytic anemia with liver iron overload. Last evaluated: 2018-01-12. Review status: criteria provided, single submitter. Criteria: ICSL Variant Classification Criteria 13 December 2019. Collection method: clinical testing. Allele origin: germline.

NM_000617.3(SLC11A2):c.1032C>G (p.Leu344=)

Gene: SLC11A2 (solute carrier family 11 member 2; minus strand). Cytogenetic location: 12q13.12.
Variant type: single nucleotide variant.
Coding change: c.1032C>G on transcript NM_000617.3 (MANE Select); coding-DNA position 1032, C replaced by G.
Protein change: p.Leu344=; no amino-acid change (leucine 344 retained).
Molecular consequence: synonymous variant. On other transcripts: non-coding transcript variant (10).
Genome position (GRCh38, 1-based): chr12:50,994,589, G>C on the plus strand (C>G on the coding strand, the complement: SLC11A2 is on the minus strand). VCF-style: chr12-50994589-G-C. GRCh37 (hg19) VCF-style: chr12-51388372-G-C.
Other names: c.1119C>G, p.Leu373= (NM_001174125.2, NM_001379446.1, NM_001379455.1); c.1032C>G, p.Leu344= (NM_001174126.2, NM_001174127.2, NM_001174128.2 and 5 more transcripts); c.1020C>G, p.Leu340= (NM_001174130.2, NM_001379448.1); c.921C>G, p.Leu307= (NM_001414747.1, NM_001414748.1); c.795C>G, p.Leu265= (NM_001414749.1, NM_001414750.1).
Identifiers: ClinVar variation 760771 (VCV000760771.11), dbSNP rs370750890, ClinGen allele CA6566592.